The following is an entry in ClinVar:

NM_000070.3(CAPN3):c.2050+1del

Gene: CAPN3 (calpain 3; plus strand). Cytogenetic location: 15q15.1.
Variant type: Deletion.
Coding change: c.2050+1del on transcript NM_000070.3 (MANE Select); the canonical splice donor site of the intron after coding-DNA position 2050, one base deleted (G; older notation c.2050+1delG).
Molecular consequence: splice donor variant.
Genome position (GRCh38, 1-based): chr15:42,409,845, G deleted. VCF-style (leftmost placement, unchanged base first): chr15-42409844-CG-C. GRCh37 (hg19) VCF-style: chr15-42702042-CG-C.
Other names: c.2032+1del (NM_024344.2); c.1774+1del (NM_173087.2); c.514+1del (NM_173088.2); c.55+1del (NM_173090.2, NM_173089.2); c.2050+1del (NM_000070.2).
Identifiers: ClinVar variation 557598 (VCV000557598.14), dbSNP rs1555423027, ClinGen allele CA658824214.

ClinVar aggregate classification (germline): Pathogenic. Review status: criteria provided, multiple submitters, no conflicts (2 of 4 stars). 3 submissions from 3 submitters: Pathogenic (2). 1 of the submissions does not count toward it. Last evaluated 2023-01-09.

Conditions:
Autosomal recessive limb-girdle muscular dystrophy type 2A (LGMDR1). Also called: Muscular dystrophy, limb-girdle, type 2A, Amish; LEYDEN-MOEBIUS MUSCULAR DYSTROPHY; MUSCULAR DYSTROPHY, PELVOFEMORAL; Limb-girdle muscular dystrophy, type 2A; Calpainopathy. Identifiers: Orphanet 267, MedGen C1869123, MONDO:0009675, OMIM 253600. Disease mechanism: loss of function.

Allele frequency attached by ClinVar (database versions not stated): gnomAD exomes below 0.00001.

Submissions (3):

Labcorp Genetics (formerly Invitae), Labcorp
Classification: Pathogenic for Autosomal recessive limb-girdle muscular dystrophy type 2A. Last evaluated: 2023-01-09. Review status: criteria provided, single submitter. Criteria: Invitae Variant Classification Sherloc (09022015). Collection method: clinical testing. Allele origin: germline.
Comment: ClinVar contains an entry for this variant (Variation ID: 557598). Disruption of this splice site has been observed in individuals with limb girdle muscular dystrophy (PMID: 11525884, 15689361, 26632398, 30107846). This variant is not present in population databases (gnomAD no frequency). This sequence change affects a splice site in intron 18 of the CAPN3 gene. It is expected to disrupt RNA splicing. Variants that disrupt the donor or acceptor splice site typically lead to a loss of protein function (PMID: 16199547), and loss-of-function variants in CAPN3 are known to be pathogenic (PMID: 10330340, 15689361). Algorithms developed to predict the effect of sequence changes on RNA splicing suggest that this variant may disrupt the consensus splice site. For these reasons, this variant has been classified as Pathogenic.

Revvity Omics, Revvity
Classification: Pathogenic. Last evaluated: 2022-06-27. Review status: criteria provided, single submitter. Criteria: ACMG Guidelines, 2015. Collection method: clinical testing. Allele origin: germline.

Counsyl
Classification: Likely pathogenic for Autosomal recessive limb-girdle muscular dystrophy type 2A. Last evaluated: 2018-04-02. Review status: no assertion criteria provided. Collection method: clinical testing. Allele origin: unknown. Not counted in ClinVar's aggregate classification.

Literature cited by the submitters: PubMed 11525884 (cited by Labcorp Genetics (formerly Invitae), Labcorp); PubMed 15689361 (cited by Labcorp Genetics (formerly Invitae), Labcorp and Counsyl); PubMed 26632398 (cited by Labcorp Genetics (formerly Invitae), Labcorp); PubMed 30107846 (cited by Labcorp Genetics (formerly Invitae), Labcorp); PubMed 16199547 (cited by Labcorp Genetics (formerly Invitae), Labcorp); PubMed 10330340 (cited by Labcorp Genetics (formerly Invitae), Labcorp).